The following is an entry in ClinVar:

NM_001277313.2(FMN1):c.2044-1682C>G

Gene: FMN1 (formin 1; minus strand). Cytogenetic location: 15q13.3.
Variant type: single nucleotide variant.
Coding change: c.2044-1682C>G on transcript NM_001277313.2 (MANE Select); 1682 bases into the intron before coding-DNA position 2044, C replaced by G.
Molecular consequence: intron variant. On other transcripts: missense variant (1).
Genome position (GRCh38, 1-based): chr15:33,066,756, G>C on the plus strand (C>G on the coding strand, the complement: FMN1 is on the minus strand). VCF-style: chr15-33066756-G-C. GRCh37 (hg19) VCF-style: chr15-33358957-G-C.
Other names: c.1129C>G, p.Gln377Glu (NM_001103184.4); short protein forms Q377E.
Identifiers: ClinVar variation 2987817 (VCV002987817.3), dbSNP rs780593301, ClinGen allele CA268544218.
Genomic context (GRCh38, chr15:33,066,756, plus strand): 5'-ACTTTGGCTTGACCTCACCACCCTGGGTTTGTGGTACTCCAGGGCCGCTCTGGCTCTCTT[G>C]GTCAGCATTGCAGCCCATCTCTTCTCTCCTGGGCGACTCAGGGTCTGCTCCCTTCGGTTC-3'

ClinVar aggregate classification (germline): Uncertain significance (1 of 4 stars; one submission).

Allele frequency attached by ClinVar (database versions not stated): gnomAD 0.00001; TOPMed 0.00002.
gnomAD v4.1: 14 of 1,613,804 alleles (0.00087%); highest among the groups gnomAD compares: Admixed American, 0.013%; no homozygotes.

Submission:

Labcorp Genetics (formerly Invitae), Labcorp
Classification: Uncertain significance. Last evaluated: 2025-10-01. Review status: criteria provided, single submitter. Criteria: Invitae Variant Classification Sherloc (09022015). Collection method: clinical testing. Allele origin: germline.
Comment: This sequence change replaces glutamine, which is neutral and polar, with glutamic acid, which is acidic and polar, at codon 377 of the FMN1 protein (p.Gln377Glu). This variant is present in population databases (no rsID available, gnomAD 0.01%). This variant has not been reported in the literature in individuals affected with FMN1-related conditions. ClinVar contains an entry for this variant (Variation ID: 2987817). Experimental studies and prediction algorithms are not available or were not evaluated, and the functional significance of this variant is currently unknown. In summary, the available evidence is currently insufficient to determine the role of this variant in disease. Therefore, it has been classified as a Variant of Uncertain Significance.